The following is an entry in ClinVar:

ClinVar aggregate classification (germline): Uncertain significance. Review status: criteria provided, multiple submitters, no conflicts (2 of 4 stars). 2 submissions from 2 submitters: Uncertain significance (2). Last evaluated 2025-07-22.

Submissions (2):

Women's Health and Genetics/Laboratory Corporation of America, LabCorp
Classification: Uncertain significance. Last evaluated: 2025-07-22. Review status: criteria provided, single submitter. Criteria: LabCorp Variant Classification Summary - May 2015. Collection method: clinical testing. Allele origin: germline.
Comment: Variant summary: PHF8 c.1522G>T (p.Gly508Cys) results in a non-conservative amino acid change in the encoded protein sequence. Algorithms developed to predict the effect of missense changes on protein structure and function are either unavailable or do not agree on the potential impact of this missense change. The variant was absent in 183313 control chromosomes. The available data on variant occurrences in the general population are insufficient to allow any conclusion about variant significance. To our knowledge, no occurrence of c.1522G>T in individuals affected with X-Linked Intellectual Disability Syndrome, Siderius Type and no experimental evidence demonstrating its impact on protein function have been reported. ClinVar contains an entry for this variant (Variation ID: 1313775). Based on the evidence outlined above, the variant was classified as uncertain significance.

GeneDx
Classification: Uncertain significance. Last evaluated: 2025-03-28. Review status: criteria provided, single submitter. Criteria: GeneDx Variant Classification Process June 2021. Collection method: clinical testing. Allele origin: germline. Affected: yes.
Comment: Not observed at significant frequency in large population cohorts (gnomAD); In silico analysis supports that this missense variant has a deleterious effect on protein structure/function; Has not been previously published as pathogenic or benign to our knowledge

NM_015107.3(PHF8):c.1522G>T (p.Gly508Cys)

Gene: PHF8 (PHD finger protein 8; minus strand). Cytogenetic location: Xp11.22.
Variant type: single nucleotide variant.
Coding change: c.1522G>T on transcript NM_015107.3 (MANE Select); coding-DNA position 1522, G replaced by T.
Protein change: p.Gly508Cys; replaces glycine 508 with cysteine.
Molecular consequence: missense variant. On other transcripts: intron variant (1).
Genome position (GRCh38, 1-based): chrX:53,993,705, C>A on the plus strand (G>T on the coding strand, the complement: PHF8 is on the minus strand). VCF-style: chrX-53993705-C-A. GRCh37 (hg19) VCF-style: chrX-54020138-C-A.
Other names: c.1630G>T, p.Gly544Cys (NM_001184896.1); c.1522G>T, p.Gly508Cys (NM_001184898.2); c.1324-866G>T (NM_001184897.2); short protein forms G508C, G544C.
Identifiers: ClinVar variation 1313775 (VCV001313775.4), dbSNP rs2149839691, ClinGen allele CA413257511.